The following is an entry in ClinVar:

NM_001386298.1(CIC):c.5768C>T (p.Ala1923Val)

Gene: CIC (capicua transcriptional repressor; plus strand). Cytogenetic location: 19q13.2.
Variant type: single nucleotide variant.
Coding change: c.5768C>T on transcript NM_001386298.1 (MANE Select); coding-DNA position 5768, C replaced by T.
Protein change: p.Ala1923Val; replaces alanine 1923 with valine.
Molecular consequence: missense variant.
Genome position (GRCh38, 1-based): chr19:42,292,332, C>T. VCF-style: chr19-42292332-C-T. GRCh37 (hg19) VCF-style: chr19-42796484-C-T.
Other names: c.5768C>T, p.Ala1923Val (NM_001304815.2, NM_001379480.1, NM_001379482.1 and 6 more transcripts); c.3041C>T, p.Ala1014Val (NM_001379484.1, NM_001379485.1, NM_001439189.1 and 3 more transcripts); short protein forms A1014V, A1923V.
Identifiers: ClinVar variation 4084620 (VCV004084620.8).

ClinVar aggregate classification (germline): Likely benign (1 of 4 stars; one submission).

gnomAD v4.1: 73 of 1,613,004 alleles (0.0045%); highest among the groups gnomAD compares: East Asian, 0.16%; 1 homozygote.

Submission:

CeGaT Center for Human Genetics Tuebingen
Classification: Likely benign. Last evaluated: 2025-07-01. Review status: criteria provided, single submitter. Criteria: CeGaT Center For Human Genetics Tuebingen Variant Classification Criteria Version 2. Collection method: clinical testing. Allele origin: germline. Affected: yes. Observed: 1 variant allele.
Comment: CIC: BP4